The following is an entry in ClinVar:

ClinVar aggregate classification (germline): Likely benign (0 of 4 stars; one submission).

Conditions:
SOD1-related disorder. Also called: SOD1-related condition.

Submission:

PreventionGenetics, part of Exact Sciences
Classification: Likely benign for SOD1-related condition. Last evaluated: 2019-05-17. Review status: no assertion criteria provided. Collection method: clinical testing. Allele origin: germline.
Comment: This variant is classified as likely benign based on ACMG/AMP sequence variant interpretation guidelines (Richards et al. 2015 PMID: 25741868, with internal and published modifications).

NM_000454.5(SOD1):c.357+36_357+38del

Gene: SOD1 (superoxide dismutase 1; plus strand). Cytogenetic location: 21q22.11.
Variant type: Microsatellite.
Coding change: c.357+36_357+38del on transcript NM_000454.5 (MANE Select); bases 36 to 38 of the intron after coding-DNA position 357, 3 bases deleted (TCT; older notation c.357+36_357+38delTCT).
Molecular consequence: intron variant.
Genome position (GRCh38, 1-based): chr21:31,667,411-31,667,413, TCT deleted; deleting any 3 consecutive bases within chr21:31,667,406-31,667,413 gives the same sequence; the c. name uses the placement nearest the transcript's 3' end. VCF-style (leftmost placement, unchanged base first): chr21-31667405-ACTT-A. GRCh37 (hg19) VCF-style: chr21-33039718-ACTT-A.
Identifiers: ClinVar variation 3041650 (VCV003041650.2), dbSNP rs772727110, ClinGen allele CA9998963.